The following is an entry in ClinVar:

ClinVar aggregate classification (germline): Likely benign. Review status: criteria provided, multiple submitters, no conflicts (2 of 4 stars). 3 submissions from 3 submitters: Likely benign (3). Last evaluated 2026-06-26.

Conditions:
Sessile serrated polyposis cancer syndrome (SSPCS). Identifiers: Orphanet 157798, MedGen C4310714, MONDO:0014919, OMIM 617108.

Allele frequency attached by ClinVar (database versions not stated): ExAC 0.00002; gnomAD exomes 0.00002 and 0.00001.
gnomAD v4.1: 18 of 1,602,732 alleles (0.0011%); highest among the groups gnomAD compares: South Asian, 0.012%; no homozygotes.

Submissions (3):

Myriad Genetics, Inc.
Classification: Likely benign for Sessile serrated polyposis cancer syndrome. Last evaluated: 2026-06-26. Review status: criteria provided, single submitter. Criteria: Myriad Autosomal Dominant, Autosomal Recessive and X-Linked Classification Criteria (2023). Collection method: clinical testing. Allele origin: unknown.
Comment: This variant is considered likely benign. This variant is intronic and is not expected to impact mRNA splicing.

Labcorp Genetics (formerly Invitae), Labcorp
Classification: Likely benign. Last evaluated: 2025-06-06. Review status: criteria provided, single submitter. Criteria: Invitae Variant Classification Sherloc (09022015). Collection method: clinical testing. Allele origin: germline.

Department of Pathology and Laboratory Medicine, Sinai Health System
Classification: Likely benign for sessile serrated polyposis cancer syndrome. Last evaluated: 2025-01-28. Review status: criteria provided, single submitter. Criteria: ACMG Guidelines, 2015. Collection method: clinical testing. Allele origin: germline.

NM_017763.6(RNF43):c.687+9T>C

Gene: RNF43 (ring finger protein 43; minus strand). Cytogenetic location: 17q22.
Variant type: single nucleotide variant.
Coding change: c.687+9T>C on transcript NM_017763.6 (MANE Select); 9 bases into the intron after coding-DNA position 687, T replaced by C.
Molecular consequence: intron variant.
Genome position (GRCh38, 1-based): chr17:58,362,535, A>G on the plus strand (T>C on the coding strand, the complement: RNF43 is on the minus strand). VCF-style: chr17-58362535-A-G. GRCh37 (hg19) VCF-style: chr17-56439896-A-G.
Other names: c.687+9T>C (NM_001438822.1, NM_001305544.3, NM_001438820.1 and 1 more transcripts); c.306+9T>C (NM_001305545.2, NM_001437987.1).
Identifiers: ClinVar variation 1604858 (VCV001604858.10), dbSNP rs774997195, ClinGen allele CA8673343.